The following is an entry in ClinVar:

NM_018297.4(NGLY1):c.1289G>A (p.Arg430Lys)

Gene: NGLY1 (N-glycanase 1; minus strand). Cytogenetic location: 3p24.2.
Variant type: single nucleotide variant.
Coding change: c.1289G>A on transcript NM_018297.4 (MANE Select); coding-DNA position 1289, G replaced by A.
Protein change: p.Arg430Lys; replaces arginine 430 with lysine.
Molecular consequence: missense variant.
Genome position (GRCh38, 1-based): chr3:25,732,455, C>T on the plus strand (G>A on the coding strand, the complement: NGLY1 is on the minus strand). VCF-style: chr3-25732455-C-T. GRCh37 (hg19) VCF-style: chr3-25773946-C-T.
Other names: c.1235G>A, p.Arg412Lys (NM_001145293.2); c.1163G>A, p.Arg388Lys (NM_001145294.2); c.1289G>A, p.Arg430Lys (NM_001145295.2); short protein forms R388K, R412K, R430K.
Identifiers: ClinVar variation 852528 (VCV000852528.10), dbSNP rs201442228, ClinGen allele CA2289193.

ClinVar aggregate classification (germline): Uncertain significance. Review status: criteria provided, multiple submitters, no conflicts (2 of 4 stars). 2 submissions from 2 submitters: Uncertain significance (2). Last evaluated 2026-02-12.

Conditions:
Congenital disorder of deglycosylation (CDDG). Identifiers: MedGen C3808991, MONDO:0031376.

Allele frequency attached by ClinVar (database versions not stated): gnomAD exomes 0.00011 and 0.00017; ExAC 0.00012; gnomAD 0.00020; ESP Exome Variant Server 0.00008; TOPMed 0.00018.

Submissions (2):

GeneDx
Classification: Uncertain significance. Last evaluated: 2026-02-12. Review status: criteria provided, single submitter. Criteria: GeneDx Variant Classification Process June 2021. Collection method: clinical testing. Allele origin: germline. Affected: yes.
Comment: In silico analysis suggests that this missense variant does not alter protein structure/function; Has not been previously published as pathogenic or benign to our knowledge

Labcorp Genetics (formerly Invitae), Labcorp
Classification: Uncertain significance for Congenital disorder of deglycosylation. Last evaluated: 2022-09-01. Review status: criteria provided, single submitter. Criteria: Invitae Variant Classification Sherloc (09022015). Collection method: clinical testing. Allele origin: germline.
Comment: This sequence change replaces arginine, which is basic and polar, with lysine, which is basic and polar, at codon 430 of the NGLY1 protein (p.Arg430Lys). This variant is present in population databases (rs201442228, gnomAD 0.2%). This variant has not been reported in the literature in individuals affected with NGLY1-related conditions. ClinVar contains an entry for this variant (Variation ID: 852528). Algorithms developed to predict the effect of missense changes on protein structure and function output the following: SIFT: "Tolerated"; PolyPhen-2: "Benign"; Align-GVGD: "Class C0". The lysine amino acid residue is found in multiple mammalian species, which suggests that this missense change does not adversely affect protein function. In summary, the available evidence is currently insufficient to determine the role of this variant in disease. Therefore, it has been classified as a Variant of Uncertain Significance.